The following is an entry in ClinVar:

NM_024675.4(PALB2):c.2749-1G>T

Gene: PALB2 (partner and localizer of BRCA2; minus strand). Cytogenetic location: 16p12.2.
Variant type: single nucleotide variant.
Coding change: c.2749-1G>T on transcript NM_024675.4 (MANE Select); the canonical splice acceptor site of the intron before coding-DNA position 2749, G replaced by T.
Molecular consequence: splice acceptor variant.
Genome position (GRCh38, 1-based): chr16:23,624,095, C>A on the plus strand (G>T on the coding strand, the complement: PALB2 is on the minus strand). VCF-style: chr16-23624095-C-A. GRCh37 (hg19) VCF-style: chr16-23635416-C-A.
Other names: c.1864-1G>T (NM_001407308.1, NM_001407306.1, NM_001407309.1 and 4 more transcripts); c.283-1G>T (NM_001407314.1); c.961-1G>T (NM_001407313.1, NM_001407312.1); c.2689-1G>T (NM_001407296.1); c.2677-1G>T (NM_001407297.1); c.2587-1G>T (NM_001407302.1, NM_001407298.1); c.2749-1G>T (NM_001407300.1, NM_001407299.1, NM_001407301.1); c.1702-1G>T (NM_001407307.1).
Identifiers: ClinVar variation 492198 (VCV000492198.19), dbSNP rs1060502804, ClinGen allele CA16609292.

ClinVar aggregate classification (germline): Likely pathogenic. Review status: criteria provided, multiple submitters, no conflicts (2 of 4 stars). 4 submissions from 4 submitters: Likely pathogenic (4). Last evaluated 2025-07-02.

Conditions:
Familial cancer of breast. Also called: Hereditary breast cancer; hereditary breast carcinoma; BREAST CANCER, FAMILIAL. Identifiers: Orphanet 227535, MedGen C0346153, MONDO:0016419, OMIM 114480. Disease mechanism: loss of function.
Hereditary cancer-predisposing syndrome. Also called: Hereditary neoplastic syndrome; Tumor predisposition; Hereditary Cancer Syndrome; Neoplastic Syndromes, Hereditary. Identifiers: Orphanet 140162, MedGen C0027672, MeSH D009386, MONDO:0015356.

Submissions (4):

Labcorp Genetics (formerly Invitae), Labcorp
Classification: Likely pathogenic for Familial cancer of breast. Last evaluated: 2025-07-02. Review status: criteria provided, single submitter. Criteria: Invitae Variant Classification Sherloc (09022015). Collection method: clinical testing. Allele origin: germline.
Comment: This sequence change affects an acceptor splice site in intron 7 of the PALB2 gene. RNA analysis indicates that disruption of this splice site induces altered splicing and may result in an absent or altered protein product. This variant is not present in population databases (gnomAD no frequency). Disruption of this splice site has been observed in individual(s) with breast cancer and/or prostate cancer (PMID: 33804961, 34846068). ClinVar contains an entry for this variant (Variation ID: 492198). Studies have shown that disruption of this splice site results in activation of a cryptic splice site, and produces a non-functional protein and/or introduces a premature termination codon (internal data). In summary, the currently available evidence indicates that the variant is pathogenic, but additional data are needed to prove that conclusively. Therefore, this variant has been classified as Likely Pathogenic.

Ambry Genetics
Classification: Likely pathogenic for Hereditary cancer-predisposing syndrome. Last evaluated: 2025-03-12. Review status: criteria provided, single submitter. Criteria: Ambry Variant Classification Scheme 2023. Collection method: clinical testing. Allele origin: germline.
Comment: The c.2749-1G>T intronic variant results from a G to T substitution one nucleotide upstream from coding exon 8 of the PALB2 gene. This variant is considered to be rare based on population cohorts in the Genome Aggregation Database (gnomAD). This nucleotide position is highly conserved in available vertebrate species. In silico splice site analysis predicts that this alteration will weaken the native splice acceptor site and will result in the creation or strengthening of a novel splice acceptor site. Alterations that disrupt the canonical splice site are expected to cause aberrant splicing, resulting in an abnormal protein or a transcript that is subject to nonsense-mediated mRNA decay. As such, this alteration is classified as likely pathogenic.

Color Diagnostics, LLC DBA Color Health
Classification: Likely pathogenic for Hereditary cancer-predisposing syndrome. Last evaluated: 2024-08-06. Review status: criteria provided, single submitter. Criteria: ACMG Guidelines, 2015. Collection method: clinical testing. Allele origin: germline.
Comment: This variant causes a G to T nucleotide substitution at the canonical -1 position of intron 7 splice acceptor site of the PALB2 gene. An RNA study using a minigene splicing assay has shown that this variant causes the loss of native splice acceptor site and activates a new acceptor site 7-nucleotide downstream (PMID: 34846068). The new acceptor site was used in 97% of the transcripts resulting in a frameshift and premature protein truncation (PMID: 34846068). This variant has been reported in individuals affected with breast cancer (PMID: 33471991; Color internal data). This variant has not been identified in the general population by the Genome Aggregation Database (gnomAD). Loss of PALB2 function is a known mechanism of disease. Based on the available evidence, this variant is classified as Likely Pathogenic.

Myriad Genetics, Inc.
Classification: Likely pathogenic for Familial cancer of breast. Last evaluated: 2023-03-14. Review status: criteria provided, single submitter. Criteria: Myriad Autosomal Dominant, Autosomal Recessive and X-Linked Classification Criteria (2023). Collection method: clinical testing. Allele origin: unknown.
Comment: This variant is considered likely pathogenic. This variant occurs within a consensus splice junction and is predicted to result in abnormal mRNA splicing of either an out-of-frame exon or an in-frame exon necessary for protein stability and/or normal function.

Literature cited by the submitters: PubMed 33804961 (cited by Labcorp Genetics (formerly Invitae), Labcorp); PubMed 34846068 (cited by Labcorp Genetics (formerly Invitae), Labcorp and Color Diagnostics, LLC DBA Color Health); PubMed 33471991 (cited by Color Diagnostics, LLC DBA Color Health).